The following is an entry in ClinVar:

ClinVar aggregate classification (germline): Uncertain significance. Review status: criteria provided, multiple submitters, no conflicts (2 of 4 stars). 3 submissions from 3 submitters: Uncertain significance (3). Last evaluated 2025-12-19.

Conditions:
Hereditary cancer-predisposing syndrome. Also called: Hereditary Cancer Syndrome; Hereditary neoplastic syndrome; Tumor predisposition; Neoplastic Syndromes, Hereditary. Identifiers: Orphanet 140162, MedGen C0027672, MeSH D009386, MONDO:0015356.
Lynch syndrome. Identifiers: Orphanet 144, MedGen C4552100, MONDO:0005835. Disease mechanism: loss of function.

Submissions (3):

Dasa
Classification: Uncertain significance for Lynch syndrome. Last evaluated: 2025-12-19. Review status: criteria provided, single submitter. Criteria: DASA Assertion Criteria. Collection method: clinical testing. Allele origin: germline.
Comment: NM_000535.7(PMS2):c.525G>C (p.Arg175Ser) is a missense variant that results in the substitution of arginine with serine. This variant is absent from population databases. Computational prediction algorithms are consistent with a deleterious effect. The currently available literature and clinical evidence are not sufficient to establish a definitive association between this variant and the reported condition. Therefore, this variant is classified as a variant of uncertain significance.

Ambry Genetics
Classification: Uncertain significance for Hereditary cancer-predisposing syndrome. Last evaluated: 2025-01-20. Review status: criteria provided, single submitter. Criteria: Ambry Variant Classification Scheme 2023. Collection method: clinical testing. Allele origin: germline.
Comment: The p.R175S variant (also known as c.525G>C), located in coding exon 5 of the PMS2 gene, results from a G to C substitution at nucleotide position 525. The arginine at codon 175 is replaced by serine, an amino acid with dissimilar properties. This amino acid position is highly conserved in available vertebrate species. In addition, the in silico prediction for this alteration is inconclusive. Since supporting evidence is limited at this time, the clinical significance of this alteration remains unclear.

Color Diagnostics, LLC DBA Color Health
Classification: Uncertain significance for Hereditary cancer-predisposing syndrome. Last evaluated: 2023-12-04. Review status: criteria provided, single submitter. Criteria: ACMG Guidelines, 2015. Collection method: clinical testing. Allele origin: germline.
Comment: This missense variant replaces arginine with serine at codon 175 of the PMS2 protein. Computational prediction is inconclusive regarding the impact of this variant on protein structure and function (internally defined REVEL score threshold 0.5 < inconclusive < 0.7, PMID: 27666373). To our knowledge, functional studies have not been reported for this variant. This variant has not been reported in individuals affected with PMS2-related disorders in the literature. This variant has not been identified in the general population by the Genome Aggregation Database (gnomAD). The available evidence is insufficient to determine the role of this variant in disease conclusively. Therefore, this variant is classified as a Variant of Uncertain Significance.

NM_000535.7(PMS2):c.525G>C (p.Arg175Ser)

Gene: PMS2 (PMS1 homolog 2, mismatch repair system component; minus strand). Cytogenetic location: 7p22.1.
Variant type: single nucleotide variant.
Coding change: c.525G>C on transcript NM_000535.7 (MANE Select); coding-DNA position 525, G replaced by C.
Protein change: p.Arg175Ser; replaces arginine 175 with serine.
Molecular consequence: missense variant. On other transcripts: 5 prime UTR variant (2), non-coding transcript variant (1).
Genome position (GRCh38, 1-based): chr7:6,002,465, C>G on the plus strand (G>C on the coding strand, the complement: PMS2 is on the minus strand). VCF-style: chr7-6002465-C-G. GRCh37 (hg19) VCF-style: chr7-6042096-C-G.
Other names: c.-360G>C (NM_001322011.2, NM_001322012.2); c.120G>C, p.Arg40Ser (NM_001322013.2, NM_001322003.2, NM_001322004.2 and 3 more transcripts); c.525G>C, p.Arg175Ser (NM_001322014.2, NM_001322006.2); c.216G>C, p.Arg72Ser (NM_001322015.2); c.207G>C, p.Arg69Ser (NM_001322007.2, NM_001322008.2); short protein forms R175S, R69S, R40S, R72S.
Identifiers: ClinVar variation 629966 (VCV000629966.9), dbSNP rs1554303870, ClinGen allele CA366744175.